The following is an entry in ClinVar:

ClinVar aggregate classification (germline): Uncertain significance. Review status: criteria provided, multiple submitters, no conflicts (2 of 4 stars). 2 submissions from 2 submitters: Uncertain significance (2). Last evaluated 2023-12-26.

gnomAD v4.1: 6 of 1,598,926 alleles (0.00038%); highest among the groups gnomAD compares: Non-Finnish European, 0.00051%; no homozygotes.

Submissions (2):

Ambry Genetics
Classification: Uncertain significance. Last evaluated: 2023-12-26. Review status: criteria provided, single submitter. Criteria: Ambry Variant Classification Scheme 2023. Collection method: clinical testing. Allele origin: germline.

Labcorp Genetics (formerly Invitae), Labcorp
Classification: Uncertain significance. Last evaluated: 2023-12-04. Review status: criteria provided, single submitter. Criteria: Invitae Variant Classification Sherloc (09022015). Collection method: clinical testing. Allele origin: germline.
Comment: This sequence change replaces proline, which is neutral and non-polar, with alanine, which is neutral and non-polar, at codon 365 of the MYLK3 protein (p.Pro365Ala). This variant is not present in population databases (gnomAD no frequency). This variant has not been reported in the literature in individuals affected with MYLK3-related conditions. Algorithms developed to predict the effect of missense changes on protein structure and function output the following: SIFT: "Not Available"; PolyPhen-2: "Benign"; Align-GVGD: "Not Available". The alanine amino acid residue is found in multiple mammalian species, which suggests that this missense change does not adversely affect protein function. In summary, the available evidence is currently insufficient to determine the role of this variant in disease. Therefore, it has been classified as a Variant of Uncertain Significance.

NM_182493.3(MYLK3):c.1093C>G (p.Pro365Ala)

Gene: MYLK3 (myosin light chain kinase 3; minus strand). Cytogenetic location: 16q11.2.
Variant type: single nucleotide variant.
Coding change: c.1093C>G on transcript NM_182493.3 (MANE Select); coding-DNA position 1093, C replaced by G.
Protein change: p.Pro365Ala; replaces proline 365 with alanine.
Molecular consequence: missense variant.
Genome position (GRCh38, 1-based): chr16:46,732,577, G>C on the plus strand (C>G on the coding strand, the complement: MYLK3 is on the minus strand). VCF-style: chr16-46732577-G-C. GRCh37 (hg19) VCF-style: chr16-46766489-G-C.
Other names: c.70C>G, p.Pro24Ala (NM_001308301.1); c.1093C>G (NM_182493.2); short protein forms P365A, P24A.
Identifiers: ClinVar variation 2968598 (VCV002968598.4), dbSNP rs1212890266, ClinGen allele CA395792973.